The following is an entry in ClinVar:

NM_016628.5(WAC):c.139C>T (p.Arg47Ter)

Gene: WAC (WW domain containing adaptor with coiled-coil; plus strand). Cytogenetic location: 10p12.1.
Variant type: single nucleotide variant.
Coding change: c.139C>T on transcript NM_016628.5 (MANE Select); coding-DNA position 139, C replaced by T.
Protein change: p.Arg47Ter; replaces arginine 47 with a stop codon.
Molecular consequence: nonsense.
Genome position (GRCh38, 1-based): chr10:28,535,622, C>T. VCF-style: chr10-28535622-C-T. GRCh37 (hg19) VCF-style: chr10-28824551-C-T.
Other names: c.4C>T, p.Arg2Ter (NM_100264.3); c.139C>T, p.Arg47Ter (NM_100486.4); short protein forms R2*, R47*.
Identifiers: ClinVar variation 987235 (VCV000987235.13), dbSNP rs368543869, ClinGen allele CA376493530.

ClinVar aggregate classification (germline): Pathogenic. Review status: criteria provided, multiple submitters, no conflicts (2 of 4 stars). 5 submissions from 5 submitters: Pathogenic (5). Last evaluated 2025-02-25.

Conditions:
DeSanto-Shinawi syndrome due to WAC point mutation (DESSH). Also called: Facial dysmorphism-developmental delay-behavioral abnormalities syndrome due to WAC point mutation; DEVELOPMENTAL DELAY, BEHAVIORAL ABNORMALITIES, FACIAL DYSMORPHISM, AND OCULAR ABNORMALITIES; WAC-Related Intellectual Disability. Identifiers: Orphanet 284169, Orphanet 466950, MedGen C5681129, MONDO:0014741, OMIM 616708.

Submissions (5):

GeneDx
Classification: Pathogenic. Last evaluated: 2025-02-25. Review status: criteria provided, single submitter. Criteria: GeneDx Variant Classification Process June 2021. Collection method: clinical testing. Allele origin: germline. Affected: yes.
Comment: Nonsense variant predicted to result in protein truncation or nonsense mediated decay in a gene for which loss of function is a known mechanism of disease; Reported as a de novo variant in an individual with severe intellectual disability; this individual has an additional de novo variant (PMID: 23033978, 26757981); Not observed at significant frequency in large population cohorts (gnomAD); This variant is associated with the following publications: (PMID: 26757981, 28191890, Aspromonte2023[Case Report], Aspromonte2024[CaseReport], 35982159, 33057194, 23033978)

Greenwood Genetic Center Diagnostic Laboratories, Greenwood Genetic Center
Classification: Pathogenic for DeSanto-Shinawi syndrome due to WAC point mutation. Last evaluated: 2022-06-08. Review status: criteria provided, single submitter. Criteria: ACMG Guidelines, 2015. Collection method: clinical testing. Allele origin: germline. Affected: yes.
Comment: PVS1 PS2 PS4_moderate PM2

Women's Health and Genetics/Laboratory Corporation of America, LabCorp
Classification: Pathogenic for DeSanto-Shinawi syndrome. Last evaluated: 2021-10-22. Review status: criteria provided, single submitter. Criteria: LabCorp Variant Classification Summary - May 2015. Collection method: clinical testing. Allele origin: germline.
Comment: Variant summary: WAC c.139C>T (p.Arg47X) results in a premature termination codon, predicted to cause a truncation of the encoded protein or absence of the protein due to nonsense mediated decay, which are commonly known mechanisms for disease. Truncations downstream of this position have not been classified as pathogenic by our laboratory but have been observed in the HGMD database. The variant was absent in 251412 control chromosomes. c.139C>T has been reported in the literature as a de-novo variant in at-least one individual affected with severe intellectual disability (Desanto-Shinawi Syndrome) and has been subsequently reported by others (example, de Ligt_2012, Kosmicki_2017). To our knowledge, no experimental evidence demonstrating an impact on protein function has been reported. Two clinical diagnostic laboratories have submitted clinical-significance assessments for this variant to ClinVar after 2014 without evidence for independent evaluation. All laboratories classified the variant as pathogenic citing overlapping evidence utilized in the context of this evaluation. Based on the evidence outlined above, the variant was classified as pathogenic.

Institute of Medical Genetics and Applied Genomics, University Hospital Tübingen
Classification: Pathogenic. Last evaluated: 2020-10-23. Review status: criteria provided, single submitter. Criteria: ACMG Guidelines, 2015. Collection method: clinical testing. Allele origin: germline. Inheritance: Unknown mechanism. Affected: yes.

Revvity Omics, Revvity
Classification: Pathogenic for DeSanto-Shinawi syndrome due to WAC point mutation. Last evaluated: 2020-03-13. Review status: criteria provided, single submitter. Criteria: ACMG Guidelines, 2015. Collection method: clinical testing. Allele origin: germline.

Literature cited by the submitters: PubMed 28191890 (cited by Women's Health and Genetics/Laboratory Corporation of America, LabCorp); PubMed 23033978 (cited by Women's Health and Genetics/Laboratory Corporation of America, LabCorp).